The following is an entry in ClinVar:

ClinVar aggregate classification (germline): Uncertain significance (1 of 4 stars; one submission).

Conditions:
Nephronophthisis. Also called: Juvenile Nephronophthisis. Identifiers: Orphanet 655, MedGen C0687120, MONDO:0019005, HP:0000090.

Submission:

Labcorp Genetics (formerly Invitae), Labcorp
Classification: Uncertain significance for Nephronophthisis. Last evaluated: 2022-08-22. Review status: criteria provided, single submitter. Criteria: Invitae Variant Classification Sherloc (09022015). Collection method: clinical testing. Allele origin: germline.
Comment: This variant, c.3020_3022del, results in the deletion of 1 amino acid(s) of the INVS protein (p.Cys1007del), but otherwise preserves the integrity of the reading frame. This variant is not present in population databases (gnomAD no frequency). This variant has not been reported in the literature in individuals affected with INVS-related conditions. Algorithms developed to predict the effect of sequence changes on RNA splicing suggest that this variant may disrupt the consensus splice site. In summary, the available evidence is currently insufficient to determine the role of this variant in disease. Therefore, it has been classified as a Variant of Uncertain Significance.

NM_014425.5(INVS):c.3017GTT[1] (p.Cys1007del)

Gene: INVS (inversin; plus strand). Cytogenetic location: 9q31.1.
Variant type: Microsatellite.
Coding change: c.3017GTT[1] on transcript NM_014425.5 (MANE Select); one copy of the 3-base unit GTT starting at c.3017; the reference has two copies in a row; one copy, 3 bases deleted.
Protein change: p.Cys1007del; deletes cysteine 1007.
Molecular consequence: inframe deletion. On other transcripts: non-coding transcript variant (1).
Genome position (GRCh38, 1-based): chr9:100,297,939-100,297,941, GTT deleted; deleting any 3 consecutive bases within chr9:100,297,936-100,297,941 gives the same sequence; the position shown is the placement nearest the transcript's 3' end. VCF-style (leftmost placement, unchanged base first): chr9-100297935-GGTT-G. GRCh37 (hg19) VCF-style: chr9-103060217-GGTT-G.
Other names: c.2729GTT[1], p.Cys911del (NM_001318381.2); c.2039GTT[1], p.Cys681del (NM_001318382.2); short protein forms C1007del, C681del, C911del.
Identifiers: ClinVar variation 2022666 (VCV002022666.1), dbSNP rs2490137655, ClinGen allele CA2580616272.
Genomic context (GRCh38, chr9:100,297,935, plus strand): 5'-AGTTGGTCAGGCCAAACGTATCCCTGGCCAAAGAAAAGTAACAGTTGTTGGTTCATTTCA[GGTT>G]GTTCTCACGAAGGGAAAATACATCATCCTACAAGATCTGTAAAAGCCTCTTCTGTGCTGC-3'